The following is an entry in ClinVar:

NM_000466.3(PEX1):c.3650T>G (p.Met1217Arg)

Genes: GATAD1 (GATA zinc finger domain containing 1; plus strand), PEX1 (peroxisomal biogenesis factor 1; minus strand). Cytogenetic location: 7q21.2.
Variant type: single nucleotide variant.
Coding change: c.3650T>G on transcript NM_000466.3 (MANE Select); coding-DNA position 3650, T replaced by G.
Protein change: p.Met1217Arg; replaces methionine 1217 with arginine.
Molecular consequence: missense variant.
Genome position (GRCh38, 1-based): chr7:92,489,410, A>C on the plus strand (T>G on the coding strand, the complement: PEX1 is on the minus strand). VCF-style: chr7-92489410-A-C. GRCh37 (hg19) VCF-style: chr7-92118724-A-C.
Other names: c.3479T>G, p.Met1160Arg (NM_001282677.2); c.3026T>G, p.Met1009Arg (NM_001282678.2); short protein forms M1009R, M1160R, M1217R.
Identifiers: ClinVar variation 970201 (VCV000970201.9), dbSNP rs200306465, ClinGen allele CA4340762.
Genomic context (GRCh38, chr7:92,489,410, plus strand): 5'-GCAGTCATTAAATGTGACTGACTAATAGCCAGTCTGGTTTTGATTGGTCCTGGTTGGTTC[A>C]TGGATTCGTCCTCCTTAAGTAAAAAAAGAAATTGACGAAGAGTTAAATTAAGGATGTAAA-3'
Protein context (NP_000457.1, residues 1207-1227): YRSQSGEDES[Met1217Arg]NQPGPIKTRL

ClinVar aggregate classification (germline): Uncertain significance. Review status: criteria provided, multiple submitters, no conflicts (2 of 4 stars). 4 submissions from 4 submitters: Uncertain significance (3). 1 of the submissions does not count toward it. Last evaluated 2024-09-17.

Conditions:
Heimler syndrome 1 (HMLR1). Also called: PEROXISOME BIOGENESIS DISORDER 1C. Identifiers: Orphanet 3220, MedGen C4551980, OMIM 234580, MONDO:0024544.
Peroxisome biogenesis disorder 1A (Zellweger) (PBD1A). Also called: Peroxisome biogenesis disorder 1a; Zellweger leukodystrophy. Identifiers: MedGen C4721541, MONDO:0008953, OMIM 214100.
Peroxisome biogenesis disorder 1B (PBD1B). Also called: INFANTILE PHYTANIC ACID STORAGE DISEASE; PEROXISOME BIOGENESIS DISORDER (NALD/IRD); ADRENOLEUKODYSTROPHY, AUTOSOMAL NEONATAL; Refsum disease, infantile form; Infantile Refsum disease; Infantile form of phytanic acid storage disease. Identifiers: Orphanet 44, MedGen C0282527, MONDO:0011101, OMIM 601539.
Zellweger spectrum disorders (ZS). Also called: Zellweger syndrome; Zellweger Spectrum Disorder (ZSD); Zellweger Spectrum Disorder; Zellweger Spectrum. Identifiers: Orphanet 912, MedGen C0043459, MONDO:0019609.

Allele frequency attached by ClinVar (database versions not stated): ExAC 0.00006; gnomAD exomes 0.00006; TOPMed 0.00008; gnomAD 0.00009 and 0.00010; ESP Exome Variant Server 0.00023.
gnomAD v4.1: 100 of 1,613,134 alleles (0.0062%); highest among the groups gnomAD compares: Middle Eastern, 0.033%; no homozygotes.

Submissions (4):

Blueprint Genetics
Classification: Uncertain significance. Last evaluated: 2024-09-17. Review status: criteria provided, single submitter. Criteria: ACMG Guidelines, 2015. Collection method: clinical testing. Allele origin: germline.

Labcorp Genetics (formerly Invitae), Labcorp
Classification: Uncertain significance for Zellweger spectrum disorders. Last evaluated: 2022-08-29. Review status: criteria provided, single submitter. Criteria: Invitae Variant Classification Sherloc (09022015). Collection method: clinical testing. Allele origin: germline.
Comment: This sequence change replaces methionine, which is neutral and non-polar, with arginine, which is basic and polar, at codon 1217 of the PEX1 protein (p.Met1217Arg). This variant is present in population databases (rs200306465, gnomAD 0.01%). This variant has not been reported in the literature in individuals affected with PEX1-related conditions. ClinVar contains an entry for this variant (Variation ID: 970201). Advanced modeling of protein sequence and biophysical properties (such as structural, functional, and spatial information, amino acid conservation, physicochemical variation, residue mobility, and thermodynamic stability) performed at Invitae indicates that this missense variant is not expected to disrupt PEX1 protein function. In summary, the available evidence is currently insufficient to determine the role of this variant in disease. Therefore, it has been classified as a Variant of Uncertain Significance.

Department of Pathology and Laboratory Medicine, Sinai Health System
Classification: Uncertain significance for Peroxisome biogenesis disorder 1A (Zellweger); Heimler syndrome 1; Peroxisome biogenesis disorder 1B. Last evaluated: 2022-01-17. Review status: criteria provided, single submitter. Criteria: ACMG Guidelines, 2015. Collection method: research. Allele origin: germline.

Natera, Inc.
Classification: Uncertain significance for Zellweger syndrome. Last evaluated: 2018-05-31. Review status: no assertion criteria provided. Collection method: clinical testing. Allele origin: germline. Not counted in ClinVar's aggregate classification.